The following is an entry in ClinVar:

ClinVar aggregate classification (germline): Uncertain significance (1 of 4 stars; one submission).

Conditions:
Lower motor neuron syndrome with late-adult onset (SMAJ). Also called: Spinal muscular atrophy, Jokela type; Late-Onset Spinal Motor Neuronopathy (SMAJ). Identifiers: Orphanet 276435, MedGen C3554398, MONDO:0014025, OMIM 615048.
Frontotemporal dementia and/or amyotrophic lateral sclerosis 2. Also called: FTDALS2. Identifiers: Orphanet 275872, MedGen C4014648, MONDO:0014395, OMIM 615911.
Autosomal dominant mitochondrial myopathy with exercise intolerance (IMMD). Also called: Myopathy, isolated mitochondrial, autosomal dominant. Identifiers: Orphanet 457050, MedGen C4015513, MONDO:0014532, OMIM 616209.

gnomAD v4.1: 4 of 1,440,766 alleles (0.00028%); highest among the groups gnomAD compares: Non-Finnish European, 0.00028%; no homozygotes.

Submission:

Labcorp Genetics (formerly Invitae), Labcorp
Classification: Uncertain significance for Lower motor neuron syndrome with late-adult onset; Frontotemporal dementia and/or amyotrophic lateral sclerosis 2; Autosomal dominant mitochondrial myopathy with exercise intolerance. Last evaluated: 2020-10-10. Review status: criteria provided, single submitter. Criteria: Invitae Variant Classification Sherloc (09022015). Collection method: clinical testing. Allele origin: germline.
Comment: In summary, the available evidence is currently insufficient to determine the role of this variant in disease. Therefore, it has been classified as a Variant of Uncertain Significance. Algorithms developed to predict the effect of missense changes on protein structure and function (SIFT, PolyPhen-2, Align-GVGD) all suggest that this variant is likely to be tolerated, but these predictions have not been confirmed by published functional studies and their clinical significance is uncertain. This variant has not been reported in the literature in individuals with CHCHD10-related conditions. The frequency data for this variant in the population databases is considered unreliable, as metrics indicate insufficient coverage at this position in the ExAC database. This sequence change replaces alanine with aspartic acid at codon 88 of the CHCHD10 protein (p.Ala88Asp). The alanine residue is moderately conserved and there is a moderate physicochemical difference between alanine and aspartic acid.

NM_213720.3(CHCHD10):c.263C>A (p.Ala88Asp)

Gene: CHCHD10 (coiled-coil-helix-coiled-coil-helix domain containing 10; minus strand). Cytogenetic location: 22q11.23.
Variant type: single nucleotide variant.
Coding change: c.263C>A on transcript NM_213720.3 (MANE Select); coding-DNA position 263, C replaced by A.
Protein change: p.Ala88Asp; replaces alanine 88 with aspartic acid.
Molecular consequence: missense variant. On other transcripts: non-coding transcript variant (2).
Genome position (GRCh38, 1-based): chr22:23,766,274, G>T on the plus strand (C>A on the coding strand, the complement: CHCHD10 is on the minus strand). VCF-style: chr22-23766274-G-T. GRCh37 (hg19) VCF-style: chr22-24108461-G-T.
Other names: c.284C>A, p.Ala95Asp (NM_001301339.2); short protein forms A95D, A88D.
Identifiers: ClinVar variation 1036655 (VCV001036655.8), dbSNP rs564469294, ClinGen allele CA410915302.